The following is an entry in ClinVar:

ClinVar aggregate classification (germline): Uncertain significance (1 of 4 stars; one submission).

Conditions:
Spermatogenic failure 18. Identifiers: MedGen C4539783, MONDO:0054615, OMIM 617576.
Ciliary dyskinesia, primary, 37 (CILD37). Also called: CILIARY DYSKINESIA, PRIMARY, 37, WITH OR WITHOUT SITUS INVERSUS. Identifiers: MedGen C4539798, MONDO:0033204, OMIM 617577.

Submission:

Labcorp Genetics (formerly Invitae), Labcorp
Classification: Uncertain significance for Ciliary dyskinesia, primary, 37; Spermatogenic failure 18. Last evaluated: 2025-10-08. Review status: criteria provided, single submitter. Criteria: Invitae Variant Classification Sherloc (09022015). Collection method: clinical testing. Allele origin: germline.
Comment: This sequence change replaces proline, which is neutral and non-polar, with serine, which is neutral and polar, at codon 1249 of the DNAH1 protein (p.Pro1249Ser). This variant is not present in population databases (gnomAD no frequency). This variant has not been reported in the literature in individuals affected with DNAH1-related conditions. Invitae Evidence Modeling of protein sequence and biophysical properties (such as structural, functional, and spatial information, amino acid conservation, physicochemical variation, residue mobility, and thermodynamic stability) indicates that this missense variant is not expected to disrupt DNAH1 protein function with a negative predictive value of 80%. In summary, the available evidence is currently insufficient to determine the role of this variant in disease. Therefore, it has been classified as a Variant of Uncertain Significance.

NM_015512.5(DNAH1):c.3745C>T (p.Pro1249Ser)

Gene: DNAH1 (dynein axonemal heavy chain 1; plus strand). Cytogenetic location: 3p21.1.
Variant type: single nucleotide variant.
Coding change: c.3745C>T on transcript NM_015512.5 (MANE Select); coding-DNA position 3745, C replaced by T.
Protein change: p.Pro1249Ser; replaces proline 1249 with serine.
Molecular consequence: missense variant.
Genome position (GRCh38, 1-based): chr3:52,356,665, C>T. VCF-style: chr3-52356665-C-T. GRCh37 (hg19) VCF-style: chr3-52390681-C-T.
Other names: short protein forms P1249S.
Identifiers: ClinVar variation 4782677 (VCV004782677.1).